The following is an entry in ClinVar:

ClinVar aggregate classification (germline): Uncertain significance (1 of 4 stars; one submission).

Conditions:
Intellectual developmental disorder, autosomal dominant 1. Also called: MBD5 Haploinsufficiency; Intellectual disability, autosomal dominant 1. Identifiers: Orphanet 228402, MedGen C1969562, MONDO:0007974, OMIM 156200.

Submission:

Institute of Human Genetics, University of Leipzig Medical Center
Classification: Uncertain significance for Intellectual developmental disorder, autosomal dominant 1. Last evaluated: 2026-02-09. Review status: criteria provided, single submitter. Criteria: ACMG Guidelines, 2015. Collection method: clinical testing. Allele origin: unknown. Inheritance: Autosomal dominant inheritance. Affected: yes.
Comment: Criteria applied: PM2,PP2,PP3

NM_000827.4(GRIA1):c.475C>A (p.Gln159Lys)

Gene: GRIA1 (glutamate ionotropic receptor AMPA type subunit 1; plus strand). Cytogenetic location: 5q33.2.
Variant type: single nucleotide variant.
Coding change: c.475C>A on transcript NM_000827.4 (MANE Select); coding-DNA position 475, C replaced by A.
Protein change: p.Gln159Lys; replaces glutamine 159 with lysine.
Molecular consequence: missense variant. On other transcripts: non-coding transcript variant (2).
Genome position (GRCh38, 1-based): chr5:153,650,344, C>A. VCF-style: chr5-153650344-C-A. GRCh37 (hg19) VCF-style: chr5-153029904-C-A.
Other names: c.475C>A, p.Gln159Lys (NM_001114183.2, NM_001364165.2); c.235C>A, p.Gln79Lys (NM_001258019.2); c.190C>A, p.Gln64Lys (NM_001258020.2); c.505C>A, p.Gln169Lys (NM_001258021.2, NM_001258022.2); c.268C>A, p.Gln90Lys (NM_001258023.1, NM_001364167.2); c.502C>A, p.Gln168Lys (NM_001364166.2); short protein forms Q159K, Q168K, Q169K, Q64K, Q79K, Q90K.
Identifiers: ClinVar variation 4819186 (VCV004819186.1).